The following is an entry in ClinVar:

NM_001457.4(FLNB):c.5156C>T (p.Ala1719Val)

Gene: FLNB (filamin B; plus strand). Cytogenetic location: 3p14.3.
Variant type: single nucleotide variant.
Coding change: c.5156C>T on transcript NM_001457.4 (MANE Select); coding-DNA position 5156, C replaced by T.
Protein change: p.Ala1719Val; replaces alanine 1719 with valine.
Molecular consequence: missense variant. On other transcripts: intron variant (2).
Genome position (GRCh38, 1-based): chr3:58,141,904, C>T. VCF-style: chr3-58141904-C-T. GRCh37 (hg19) VCF-style: chr3-58127631-C-T.
Other names: c.5249C>T, p.Ala1750Val (NM_001164317.2); c.5148+8C>T (NM_001164318.2); c.5110-746C>T (NM_001164319.2); short protein forms A1719V, A1750V.
Identifiers: ClinVar variation 3375229 (VCV003375229.1).

ClinVar aggregate classification (germline): Uncertain significance (1 of 4 stars; one submission).

gnomAD v4.1: 1 of 1,614,162 alleles (0.000062%); highest among the groups gnomAD compares: East Asian, 0.0022%; no homozygotes.

Submission:

Women's Health and Genetics/Laboratory Corporation of America, LabCorp
Classification: Uncertain significance. Last evaluated: 2024-09-24. Review status: criteria provided, single submitter. Criteria: LabCorp Variant Classification Summary - May 2015. Collection method: clinical testing. Allele origin: germline.
Comment: Variant summary: FLNB c.5156C>T (p.Ala1719Val) results in a non-conservative amino acid change in the encoded protein sequence. Three of five in-silico tools predict a benign effect of the variant on protein function. The variant was absent in 251492 control chromosomes. The available data on variant occurrences in the general population are insufficient to allow any conclusion about variant significance. To our knowledge, no occurrence of c.5156C>T in individuals affected with Larsen Syndrome and no experimental evidence demonstrating its impact on protein function have been reported. No submitters have cited clinical-significance assessments for this variant to ClinVar. Based on the evidence outlined above, the variant was classified as uncertain significance.